The following is an entry in ClinVar:

NM_001387567.1(BTBD6):c.618C>G (p.Ala206=)

Genes: BRF1 (BRF1 general transcription factor IIIB subunit; minus strand), BTBD6 (BTB domain containing 6; plus strand). Cytogenetic location: 14q32.33.
Variant type: single nucleotide variant.
Coding change: c.618C>G on transcript NM_001387567.1 (MANE Select); coding-DNA position 618, C replaced by G.
Protein change: p.Ala206=; no amino-acid change (alanine 206 retained).
Molecular consequence: synonymous variant. On other transcripts: intron variant (4).
Genome position (GRCh38, 1-based): chr14:105,249,673, C>G. VCF-style: chr14-105249673-C-G. GRCh37 (hg19) VCF-style: chr14-105716010-C-G.
Other names: c.459C>G, p.Ala153= (NM_033271.3); c.199+2834G>C (NM_001242787.2, NM_001242786.2); c.463+2834G>C (NM_001242788.2); c.544+2834G>C (NM_001519.4).
Identifiers: ClinVar variation 2644910 (VCV002644910.24), dbSNP rs200619567, ClinGen allele CA7387792.
Genomic context (GRCh38, chr14:105,249,673, plus strand): 5'-CCCTGACGCGGGCCCTGCCTCGCCTAGGTACATGTACAGTGATGAGATCGATCTGGAAGC[C>G]GACACGGTGCTGGCCACTCTGTACGCTGCTAAGAAGTACATCGTCCCAGCATTGGCAAAA-3'
Protein context (NP_001374496.1, residues 196-216): YMYSDEIDLE[Ala206=]DTVLATLYAA

ClinVar aggregate classification (germline): Likely benign (1 of 4 stars; one submission).

Allele frequency attached by ClinVar (database versions not stated): ESP Exome Variant Server 0.00008; 1000 Genomes Project 0.00020; TOPMed 0.00020; 1000 Genomes Project 30x 0.00031; ExAC 0.00032.
gnomAD v4.1: 507 of 1,612,982 alleles (0.031%); highest among the groups gnomAD compares: South Asian, 0.1%; 3 homozygotes.

Submission:

CeGaT Center for Human Genetics Tuebingen
Classification: Likely benign. Last evaluated: 2025-02-01. Review status: criteria provided, single submitter. Criteria: CeGaT Center For Human Genetics Tuebingen Variant Classification Criteria Version 2. Collection method: clinical testing. Allele origin: germline. Affected: yes. Observed: 2 variant alleles.
Comment: BTBD6: BP4, BP7